The following is an entry in ClinVar:

NM_001035.3(RYR2):c.1452T>A (p.Asn484Lys)

Gene: RYR2 (ryanodine receptor 2; plus strand). Cytogenetic location: 1q43.
Variant type: single nucleotide variant.
Coding change: c.1452T>A on transcript NM_001035.3 (MANE Select); coding-DNA position 1452, T replaced by A.
Protein change: p.Asn484Lys; replaces asparagine 484 with lysine.
Molecular consequence: missense variant.
Genome position (GRCh38, 1-based): chr1:237,454,550, T>A. VCF-style: chr1-237454550-T-A. GRCh37 (hg19) VCF-style: chr1-237617850-T-A.
Other names: short protein forms N484K.
Identifiers: ClinVar variation 1063008 (VCV001063008.11), dbSNP rs1195833247, ClinGen allele CA345380688.
Genomic context (GRCh38, chr1:237,454,550, plus strand): 5'-CCCCCCAGATGAGCATTTAGAGCATGAAGACAAACAGAACAGACTACGAGCCCTGAAGAA[T>A]CGGCAAAATCTCTTCCAGGAAGAGGTCCGTTTCTATCAACACTCATTTCTCTTCTGTTAT-3'
Protein context (NP_001026.2, residues 474-494): DKQNRLRALK[Asn484Lys]RQNLFQEEGM

ClinVar aggregate classification (germline): Uncertain significance. Review status: criteria provided, multiple submitters, no conflicts (2 of 4 stars). 4 submissions from 4 submitters: Uncertain significance (4). Last evaluated 2025-01-22.

Conditions:
Cardiovascular phenotype. Identifiers: MedGen CN230736.
Catecholaminergic polymorphic ventricular tachycardia (CVPT). Also called: Catecholamine-induced polymorphic ventricular tachycardia. Identifiers: Orphanet 3286, MedGen C5574922, MONDO:0017990.
Catecholaminergic polymorphic ventricular tachycardia 1. Also called: VENTRICULAR TACHYCARDIA, CATECHOLAMINERGIC POLYMORPHIC, 1, WITH OR WITHOUT ATRIAL DYSFUNCTION AND/OR DILATED CARDIOMYOPATHY; RYR2-Related Catecholaminergic Polymorphic Ventricular Tachycardia; VENTRICULAR TACHYCARDIA, STRESS-INDUCED POLYMORPHIC 1. Identifiers: Orphanet 3286, MedGen C1631597, MONDO:0011484, OMIM 604772.

Allele frequency attached by ClinVar (database versions not stated): gnomAD exomes below 0.00001 and 0.00001.
gnomAD v4.1: 3 of 1,613,246 alleles (0.00019%); highest among the groups gnomAD compares: Admixed American, 0.005%; no homozygotes.

Submissions (4):

GeneDx
Classification: Uncertain significance. Last evaluated: 2025-01-22. Review status: criteria provided, single submitter. Criteria: GeneDx Variant Classification Process June 2021. Collection method: clinical testing. Allele origin: germline. Affected: yes.
Comment: Not observed at significant frequency in large population cohorts (gnomAD); In silico analysis supports that this missense variant has a deleterious effect on protein structure/function; Has not been previously published as pathogenic or benign to our knowledge; Not located in one of the three hot-spot regions of the RYR2 gene, where the majority of pathogenic missense variants occur (PMID: 19926015); This variant is associated with the following publications: (PMID: 19926015)

All of Us Research Program, National Institutes of Health
Classification: Uncertain significance for Catecholaminergic polymorphic ventricular tachycardia. Last evaluated: 2023-03-28. Review status: criteria provided, single submitter. Criteria: ACMG Guidelines, 2015. Collection method: clinical testing. Allele origin: germline. Inheritance: Autosomal dominant inheritance. Observed: 1 variant allele, 1 heterozygote.
Comment: This study involves interpretation of variants in research participants for the purpose of population health screening. Participant phenotype was not available at the time of variant classification. Additional details can be found in publication PMID: 35346344, PMCID: PMC8962531

Labcorp Genetics (formerly Invitae), Labcorp
Classification: Uncertain significance for Catecholaminergic polymorphic ventricular tachycardia 1. Last evaluated: 2022-07-19. Review status: criteria provided, single submitter. Criteria: Invitae Variant Classification Sherloc (09022015). Collection method: clinical testing. Allele origin: germline.
Comment: This sequence change replaces asparagine, which is neutral and polar, with lysine, which is basic and polar, at codon 484 of the RYR2 protein (p.Asn484Lys). This variant is present in population databases (no rsID available, gnomAD 0.003%). This variant has not been reported in the literature in individuals affected with RYR2-related conditions. ClinVar contains an entry for this variant (Variation ID: 1063008). Advanced modeling of protein sequence and biophysical properties (such as structural, functional, and spatial information, amino acid conservation, physicochemical variation, residue mobility, and thermodynamic stability) performed at Invitae indicates that this missense variant is not expected to disrupt RYR2 protein function. In summary, the available evidence is currently insufficient to determine the role of this variant in disease. Therefore, it has been classified as a Variant of Uncertain Significance.

Ambry Genetics
Classification: Uncertain significance for Cardiovascular phenotype. Last evaluated: 2022-01-06. Review status: criteria provided, single submitter. Criteria: Ambry Variant Classification Scheme 2023. Collection method: clinical testing. Allele origin: germline.
Comment: The p.N484K variant (also known as c.1452T>A), located in coding exon 15 of the RYR2 gene, results from a T to A substitution at nucleotide position 1452. The asparagine at codon 484 is replaced by lysine, an amino acid with similar properties. In addition, the in silico prediction for this alteration is inconclusive. Since supporting evidence is limited at this time, the clinical significance of this alteration remains unclear.